The following is an entry in ClinVar:

ClinVar aggregate classification (germline): Uncertain significance. Review status: criteria provided, multiple submitters, no conflicts (2 of 4 stars). 4 submissions from 4 submitters: Uncertain significance (4). Last evaluated 2022-08-20.

Conditions:
Immunodeficiency due to CD25 deficiency. Also called: IMMUNODEFICIENCY 41 WITH LYMPHOPROLIFERATION AND AUTOIMMUNITY; CD25 DEFICIENCY; IL2RA DEFICIENCY. Identifiers: Orphanet 169100, MedGen C1853392, MONDO:0011664, OMIM 606367.

Allele frequency attached by ClinVar (database versions not stated): ExAC 0.00004; gnomAD exomes 0.00004 and 0.00010; ESP Exome Variant Server 0.00008; gnomAD 0.00008 and 0.00009; TOPMed 0.00027.

Submissions (4):

Labcorp Genetics (formerly Invitae), Labcorp
Classification: Uncertain significance for Immunodeficiency due to CD25 deficiency. Last evaluated: 2022-08-20. Review status: criteria provided, single submitter. Criteria: Invitae Variant Classification Sherloc (09022015). Collection method: clinical testing. Allele origin: germline.
Comment: This sequence change replaces arginine, which is basic and polar, with tryptophan, which is neutral and slightly polar, at codon 263 of the IL2RA protein (p.Arg263Trp). This variant is present in population databases (rs140088691, gnomAD 0.03%). This variant has not been reported in the literature in individuals affected with IL2RA-related conditions. ClinVar contains an entry for this variant (Variation ID: 300249). Algorithms developed to predict the effect of missense changes on protein structure and function output the following: SIFT: "Deleterious"; PolyPhen-2: "Benign"; Align-GVGD: "Class C0". The tryptophan amino acid residue is found in multiple mammalian species, which suggests that this missense change does not adversely affect protein function. In summary, the available evidence is currently insufficient to determine the role of this variant in disease. Therefore, it has been classified as a Variant of Uncertain Significance.

Baylor Genetics
Classification: Uncertain significance for Immunodeficiency due to CD25 deficiency. Last evaluated: 2018-09-21. Review status: criteria provided, single submitter. Criteria: ACMG Guidelines, 2015. Collection method: clinical testing. Allele origin: paternal. Affected: yes.
Comment: This variant was determined to be of uncertain significance according to ACMG Guidelines, 2015 [PMID:25741868].

CeGaT Center for Human Genetics Tuebingen
Classification: Uncertain significance. Last evaluated: 2018-09-01. Review status: criteria provided, single submitter. Criteria: CeGaT Center For Human Genetics Tuebingen Variant Classification Criteria Version 2. Collection method: clinical testing. Allele origin: germline. Affected: yes. Observed: 1 variant allele.

Illumina Laboratory Services, Illumina
Classification: Uncertain significance for Immunodeficiency due to CD25 deficiency. Last evaluated: 2018-01-12. Review status: criteria provided, single submitter. Criteria: ICSL Variant Classification Criteria 13 December 2019. Collection method: clinical testing. Allele origin: germline.

NM_000417.3(IL2RA):c.787C>T (p.Arg263Trp)

Gene: IL2RA (interleukin 2 receptor subunit alpha; minus strand). Cytogenetic location: 10p15.1.
Variant type: single nucleotide variant.
Coding change: c.787C>T on transcript NM_000417.3 (MANE Select); coding-DNA position 787, C replaced by T.
Protein change: p.Arg263Trp; replaces arginine 263 with tryptophan.
Molecular consequence: missense variant.
Genome position (GRCh38, 1-based): chr10:6,018,060, G>A on the plus strand (C>T on the coding strand, the complement: IL2RA is on the minus strand). VCF-style: chr10-6018060-G-A. GRCh37 (hg19) VCF-style: chr10-6060023-G-A.
Other names: c.571C>T, p.Arg191Trp (NM_001308242.2); c.499C>T, p.Arg167Trp (NM_001308243.2); short protein forms R263W, R167W, R191W.
Identifiers: ClinVar variation 300249 (VCV000300249.51), dbSNP rs140088691, ClinGen allele CA5397306.